The following is an entry in ClinVar:

NM_006531.5(IFT88):c.1527G>C (p.Glu509Asp)

Gene: IFT88 (intraflagellar transport 88; plus strand). Cytogenetic location: 13q12.11.
Variant type: single nucleotide variant.
Coding change: c.1527G>C on transcript NM_006531.5 (MANE Select); coding-DNA position 1527, G replaced by C.
Protein change: p.Glu509Asp; replaces glutamic acid 509 with aspartic acid.
Molecular consequence: missense variant. On other transcripts: non-coding transcript variant (4).
Genome position (GRCh38, 1-based): chr13:20,638,472, G>C. VCF-style: chr13-20638472-G-C. GRCh37 (hg19) VCF-style: chr13-21212611-G-C.
Other names: c.1554G>C (NM_175605.3); c.1470G>C, p.Glu490Asp (NM_001318491.2, NM_001353575.2); c.1554G>C, p.Glu518Asp (NM_001318493.2, NM_001353565.2, NM_001353566.2 and 2 more transcripts); c.1527G>C, p.Glu509Asp (NM_001353568.2, NM_001353572.2); c.1452G>C, p.Glu484Asp (NM_001353569.2, NM_001353570.2, NM_001353576.2 and 1 more transcripts); c.1425G>C, p.Glu475Asp (NM_001353571.2, NM_001353578.2); c.1383G>C, p.Glu461Asp (NM_001353573.2); c.1368G>C, p.Glu456Asp (NM_001353574.2); and 1 more; short protein forms E456D, E484D, E490D, E518D, E298D, E461D, E475D, E509D.
Identifiers: ClinVar variation 1991954 (VCV001991954.5), dbSNP rs780879691, ClinGen allele CA6905436.
Genomic context (GRCh38, chr13:20,638,472, plus strand): 5'-TAAAGGGAATACAGTTTTTGCAAATGGTGATTATGAGAAGGCCGCTGAATTCTATAAAGA[G>C]GCTCTAAGAAATGATTCTTCTTGTACTGAAGCACTTTATAATATTGGTAAGTGAAACAAG-3'
Protein context (NP_006522.2, residues 499-519): DYEKAAEFYK[Glu509Asp]ALRNDSSCTE

ClinVar aggregate classification (germline): Uncertain significance. Review status: criteria provided, multiple submitters, no conflicts (2 of 4 stars). 2 submissions from 2 submitters: Uncertain significance (2). Last evaluated 2025-08-09.

Allele frequency attached by ClinVar (database versions not stated): TOPMed below 0.00001; ExAC 0.00001; gnomAD 0.00001; gnomAD exomes 0.00001.
gnomAD v4.1: 11 of 1,520,274 alleles (0.00072%); highest among the groups gnomAD compares: South Asian, 0.0028%; no homozygotes.

Submissions (2):

Ambry Genetics
Classification: Uncertain significance. Last evaluated: 2025-08-09. Review status: criteria provided, single submitter. Criteria: Ambry Variant Classification Scheme 2023. Collection method: clinical testing. Allele origin: germline.

Labcorp Genetics (formerly Invitae), Labcorp
Classification: Uncertain significance. Last evaluated: 2025-04-28. Review status: criteria provided, single submitter. Criteria: Invitae Variant Classification Sherloc (09022015). Collection method: clinical testing. Allele origin: germline.
Comment: This sequence change replaces glutamic acid, which is acidic and polar, with aspartic acid, which is acidic and polar, at codon 518 of the IFT88 protein (p.Glu518Asp). This variant is present in population databases (rs780879691, gnomAD 0.005%). This variant has not been reported in the literature in individuals affected with IFT88-related conditions. ClinVar contains an entry for this variant (Variation ID: 1991954). An algorithm developed to predict the effect of missense changes on protein structure and function (PolyPhen-2) suggests that this variant is likely to be disruptive. In summary, the available evidence is currently insufficient to determine the role of this variant in disease. Therefore, it has been classified as a Variant of Uncertain Significance.